The following is an entry in ClinVar:

ClinVar aggregate classification (germline): Uncertain significance (1 of 4 stars; one submission).

Submission:

GeneDx
Classification: Uncertain significance. Last evaluated: 2021-01-05. Review status: criteria provided, single submitter. Criteria: GeneDx Variant Classification Process June 2021. Collection method: clinical testing. Allele origin: germline. Affected: yes.
Comment: Not observed in large population cohorts (Lek et al., 2016); Canonical splice site variant in a gene for which loss-of-function is not a known mechanism of disease; Has not been previously published as pathogenic or benign to our knowledge

NM_001999.4(FBN2):c.8364+2T>C

Gene: FBN2 (fibrillin 2; minus strand). Cytogenetic location: 5q23.3.
Variant type: single nucleotide variant.
Coding change: c.8364+2T>C on transcript NM_001999.4 (MANE Select); the canonical splice donor site of the intron after coding-DNA position 8364, T replaced by C.
Molecular consequence: splice donor variant.
Genome position (GRCh38, 1-based): chr5:128,261,734, A>G on the plus strand (T>C on the coding strand, the complement: FBN2 is on the minus strand). VCF-style: chr5-128261734-A-G. GRCh37 (hg19) VCF-style: chr5-127597426-A-G.
Identifiers: ClinVar variation 1313868 (VCV001313868.2), dbSNP rs2126793713, ClinGen allele CA360746974.